The following is an entry in ClinVar:

ClinVar aggregate classification (germline): Uncertain significance. Review status: criteria provided, multiple submitters, no conflicts (2 of 4 stars). 5 submissions from 4 submitters: Uncertain significance (5). Last evaluated 2025-09-08.

Conditions:
Developmental and epileptic encephalopathy, 14 (DEE14). Also called: Early infantile epileptic encephalopathy 14. Identifiers: Orphanet 293181, MedGen C3554195, MONDO:0013989, OMIM 614959.
Autosomal dominant nocturnal frontal lobe epilepsy 5. Also called: Epilepsy, nocturnal frontal lobe, 5; KCNT1-Related Epilepsy; CILIARY DYSKINESIA, PRIMARY, 28, WITHOUT SITUS INVERSUS; CILIARY DYSKINESIA, PRIMARY, 28, WITH SITUS INVERSUS. Identifiers: Orphanet 98784, MedGen C3554306, MONDO:0014002, OMIM 615005.

gnomAD v4.1: 29 of 1,558,462 alleles (0.0019%); highest among the groups gnomAD compares: South Asian, 0.0071%; no homozygotes.

Submissions (5):

Labcorp Genetics (formerly Invitae), Labcorp
Classification: Uncertain significance for Autosomal dominant nocturnal frontal lobe epilepsy 5; Developmental and epileptic encephalopathy, 14. Last evaluated: 2025-09-08. Review status: criteria provided, single submitter. Criteria: Invitae Variant Classification Sherloc (09022015). Collection method: clinical testing. Allele origin: germline.
Comment: This sequence change replaces aspartic acid, which is acidic and polar, with asparagine, which is neutral and polar, at codon 730 of the KCNT1 protein (p.Asp730Asn). The frequency data for this variant in the population databases is considered unreliable, as metrics indicate poor data quality at this position in the gnomAD database. This variant has not been reported in the literature in individuals affected with KCNT1-related conditions. ClinVar contains an entry for this variant (Variation ID: 582542). Invitae Evidence Modeling of protein sequence and biophysical properties (such as structural, functional, and spatial information, amino acid conservation, physicochemical variation, residue mobility, and thermodynamic stability) indicates that this missense variant is not expected to disrupt KCNT1 protein function with a negative predictive value of 80%. In summary, the available evidence is currently insufficient to determine the role of this variant in disease. Therefore, it has been classified as a Variant of Uncertain Significance.

GeneDx
Classification: Uncertain significance. Last evaluated: 2025-01-24. Review status: criteria provided, single submitter. Criteria: GeneDx Variant Classification Process June 2021. Collection method: clinical testing. Allele origin: germline. Affected: yes.
Comment: In silico analysis supports that this missense variant has a deleterious effect on protein structure/function; Has not been previously published as pathogenic or benign to our knowledge

Genome-Nilou Lab
Classification: Uncertain significance for Developmental and epileptic encephalopathy, 14. Last evaluated: 2022-03-15. Review status: criteria provided, single submitter. Criteria: ACMG Guidelines, 2015. Collection method: clinical testing. Allele origin: germline. Affected: no.

Genome-Nilou Lab
Classification: Uncertain significance for Autosomal dominant nocturnal frontal lobe epilepsy 5. Last evaluated: 2022-03-15. Review status: criteria provided, single submitter. Criteria: ACMG Guidelines, 2015. Collection method: clinical testing. Allele origin: germline. Affected: no.

CeGaT Center for Human Genetics Tuebingen
Classification: Uncertain significance. Last evaluated: 2018-09-01. Review status: criteria provided, single submitter. Criteria: CeGaT Center For Human Genetics Tuebingen Variant Classification Criteria Version 2. Collection method: clinical testing. Allele origin: germline. Affected: yes. Observed: 1 variant allele.

NM_020822.3(KCNT1):c.2188G>A (p.Asp730Asn)

Gene: KCNT1 (potassium sodium-activated channel subfamily T member 1; plus strand). Cytogenetic location: 9q34.3.
Variant type: single nucleotide variant.
Coding change: c.2188G>A on transcript NM_020822.3 (MANE Select); coding-DNA position 2188, G replaced by A.
Protein change: p.Asp730Asn; replaces aspartic acid 730 with asparagine.
Molecular consequence: missense variant.
Genome position (GRCh38, 1-based): chr9:135,772,894, G>A. VCF-style: chr9-135772894-G-A. GRCh37 (hg19) VCF-style: chr9-138664740-G-A.
Other names: c.2053G>A, p.Asp685Asn (NM_001272003.2); short protein forms D730N, D685N.
Identifiers: ClinVar variation 582542 (VCV000582542.51), dbSNP rs752598622, ClinGen allele CA201474749.